The following is an entry in ClinVar:

NM_002335.4(LRP5):c.3886C>G (p.Pro1296Ala)

Gene: LRP5 (LDL receptor related protein 5; plus strand). Cytogenetic location: 11q13.2.
Variant type: single nucleotide variant.
Coding change: c.3886C>G on transcript NM_002335.4 (MANE Select); coding-DNA position 3886, C replaced by G.
Protein change: p.Pro1296Ala; replaces proline 1296 with alanine.
Molecular consequence: missense variant.
Genome position (GRCh38, 1-based): chr11:68,433,724, C>G. VCF-style: chr11-68433724-C-G. GRCh37 (hg19) VCF-style: chr11-68201192-C-G.
Other names: c.2143C>G, p.Pro715Ala (NM_001291902.2); short protein forms P1296A, P715A.
Identifiers: ClinVar variation 2819296 (VCV002819296.3), dbSNP rs375935572, ClinGen allele CA6150142.

ClinVar aggregate classification (germline): Uncertain significance (1 of 4 stars; one submission).

Allele frequency attached by ClinVar (database versions not stated): TOPMed below 0.00001; ExAC 0.00001; ESP Exome Variant Server 0.00008.

Submission:

Labcorp Genetics (formerly Invitae), Labcorp
Classification: Uncertain significance. Last evaluated: 2022-12-14. Review status: criteria provided, single submitter. Criteria: Invitae Variant Classification Sherloc (09022015). Collection method: clinical testing. Allele origin: germline.
Comment: In summary, the available evidence is currently insufficient to determine the role of this variant in disease. Therefore, it has been classified as a Variant of Uncertain Significance. Algorithms developed to predict the effect of missense changes on protein structure and function (SIFT, PolyPhen-2, Align-GVGD) all suggest that this variant is likely to be disruptive. This variant has not been reported in the literature in individuals affected with LRP5-related conditions. This variant is present in population databases (rs375935572, gnomAD 0.007%). This sequence change replaces proline, which is neutral and non-polar, with alanine, which is neutral and non-polar, at codon 1296 of the LRP5 protein (p.Pro1296Ala).